The following is an entry in ClinVar:

ClinVar aggregate classification (germline): Pathogenic. Review status: criteria provided, multiple submitters, no conflicts (2 of 4 stars). 2 submissions from 2 submitters: Pathogenic (2). Last evaluated 2021-12-21.

Conditions:
Mucolipidosis type II. Also called: Mucolipidosis 2; ML 2; Inclusion cell disease; Leroy Disease; N-acetylglucosamine 1phosphotransferase deficiency; ML disorder type 2. Identifiers: Orphanet 576, MedGen C2673377, MONDO:0009650, OMIM 252500.
Pseudo-Hurler polydystrophy. Also called: MUCOLIPIDOSIS IIIA; Type III Mucolipidosis; ML IIIA; Mucolipidosis III Alpha/Beta; ML III; ML III ALPHA/BETA. Identifiers: Orphanet 423461, Orphanet 577, MedGen C0033788, MONDO:0018931, OMIM 252600.

Submissions (2):

Labcorp Genetics (formerly Invitae), Labcorp
Classification: Pathogenic for Pseudo-Hurler polydystrophy; Mucolipidosis type II. Last evaluated: 2021-12-21. Review status: criteria provided, single submitter. Criteria: Invitae Variant Classification Sherloc (09022015). Collection method: clinical testing. Allele origin: germline.
Comment: This sequence change creates a premature translational stop signal (p.Glu864Glyfs*4) in the GNPTAB gene. It is expected to result in an absent or disrupted protein product. Loss-of-function variants in GNPTAB are known to be pathogenic (PMID: 19617216, 25107912). For these reasons, this variant has been classified as Pathogenic. This premature translational stop signal has been observed in individual(s) with GNPTAB-related conditions (PMID: 26274329, 31934135). In at least one individual the data is consistent with being in trans (on the opposite chromosome) from a pathogenic variant. This variant is not present in population databases (gnomAD no frequency).

Juno Genomics, Hangzhou Juno Genomics, Inc
Classification: Pathogenic for Mucolipidosis type II; Pseudo-Hurler polydystrophy. Review status: criteria provided, single submitter. Criteria: ACMG Guidelines, 2015. Collection method: clinical testing. Allele origin: germline.
Comment: Absent from controls (or at extremely low frequency if recessive) in Genome Aggregation Database.;Null variant in a gene where loss of function (LOF) is a known mechanism of disease.;For recessive disorders, detected in trans with a pathogenic variant.

Literature cited by the submitters: PubMed 19617216 (cited by Labcorp Genetics (formerly Invitae), Labcorp); PubMed 25107912 (cited by Labcorp Genetics (formerly Invitae), Labcorp); PubMed 26274329 (cited by Labcorp Genetics (formerly Invitae), Labcorp); PubMed 31934135 (cited by Labcorp Genetics (formerly Invitae), Labcorp).

NM_024312.5(GNPTAB):c.2590dup (p.Glu864fs)

Gene: GNPTAB (N-acetylglucosamine-1-phosphate transferase subunits alpha and beta; minus strand). Cytogenetic location: 12q23.2.
Variant type: Duplication.
Coding change: c.2590dup on transcript NM_024312.5 (MANE Select); coding-DNA position 2590, one base duplicated (G; older notation c.2590dupG).
Protein change: p.Glu864fs; shifts the reading frame from glutamic acid 864.
Molecular consequence: frameshift variant.
Genome position (GRCh38, 1-based): chr12:101,764,327, C duplicated on the plus strand (G on the coding strand, the reverse complement: GNPTAB is on the minus strand); the first of 2 consecutive C bases (chr12:101,764,327-101,764,328); duplicating either gives the same sequence. VCF-style (leftmost placement, unchanged base first): chr12-101764326-T-TC. GRCh37 (hg19) VCF-style: chr12-102158104-T-TC.
Other names: short protein forms E864fs.
Identifiers: ClinVar variation 1460047 (VCV001460047.8), dbSNP rs2137116089, ClinGen allele CA2573147947.